The following is an entry in ClinVar:

ClinVar aggregate classification (germline): Uncertain significance (1 of 4 stars; one submission).

Conditions:
Hereditary cancer-predisposing syndrome. Also called: Tumor predisposition; Hereditary Cancer Syndrome; Hereditary neoplastic syndrome; Neoplastic Syndromes, Hereditary. Identifiers: Orphanet 140162, MedGen C0027672, MeSH D009386, MONDO:0015356.

Submission:

Ambry Genetics
Classification: Uncertain significance for Hereditary cancer-predisposing syndrome. Last evaluated: 2025-10-27. Review status: criteria provided, single submitter. Criteria: Ambry Variant Classification Scheme 2023. Collection method: clinical testing. Allele origin: germline.
Comment: The c.2713_2715delTCCinsCCT variant, located in coding exon 19 of the TSC1 gene, results from an in-frame deletion of TCC and insertion of CCT at nucleotide positions 2713 to 2715. This results in the substitution of the serine residue for a proline residue at codon 905, an amino acid with similar properties. This amino acid position is not well conserved in available vertebrate species. In addition, the in silico prediction for this alteration is inconclusive. Based on the available evidence, the clinical significance of this variant remains unclear.

NM_000368.5(TSC1):c.2713_2715delinsCCT (p.Ser905Pro)

Gene: TSC1 (TSC complex subunit 1; minus strand). Cytogenetic location: 9q34.13.
Variant type: Indel.
Coding change: c.2713_2715delinsCCT on transcript NM_000368.5 (MANE Select); coding-DNA positions 2713 to 2715, TCC replaced by CCT.
Protein change: p.Ser905Pro; replaces serine 905 with proline.
Molecular consequence: missense variant. On other transcripts: non-coding transcript variant (5).
Genome position (GRCh38, 1-based): chr9:132,897,521-132,897,523, GGA replaced by AGG on the plus strand (TCC replaced by CCT on the coding strand, the reverse complement: TSC1 is on the minus strand). VCF-style: chr9-132897521-GGA-AGG. GRCh37 (hg19) VCF-style: chr9-135772908-GGA-AGG.
Other names: c.2710_2712delinsCCT, p.Ser904Pro (NM_001162426.2, NM_001406597.1, NM_001406598.1 and 2 more transcripts); c.2560_2562delinsCCT, p.Ser854Pro (NM_001162427.2, NM_001406610.1); c.2350_2352delinsCCT, p.Ser784Pro (NM_001362177.2, NM_001406614.1, NM_001406615.1 and 4 more transcripts); c.2713_2715delinsCCT, p.Ser905Pro (NM_001406592.1, NM_001406593.1, NM_001406594.1 and 2 more transcripts); c.2698_2700delinsCCT, p.Ser900Pro (NM_001406601.1, NM_001406602.1); c.2695_2697delinsCCT, p.Ser899Pro (NM_001406603.1, NM_001406604.1); c.2671_2673delinsCCT, p.Ser891Pro (NM_001406605.1, NM_001406606.1, NM_001406607.1); c.2668_2670delinsCCT, p.Ser890Pro (NM_001406608.1, NM_001406609.1); and 8 more; short protein forms S770P, S899P, S904P, S554P, S587P, S769P, S783P, S839P.
Identifiers: ClinVar variation 4554308 (VCV004554308.1).